The following is an entry in ClinVar:

ClinVar aggregate classification (germline): Benign. Review status: criteria provided, multiple submitters, no conflicts (2 of 4 stars). 7 submissions from 7 submitters: Benign (7). Last evaluated 2026-02-04.

Conditions:
COG1 congenital disorder of glycosylation (CDG2G). Also called: CONGENITAL DISORDER OF GLYCOSYLATION, TYPE IIg; CDG IIg; CDGII/COG1 CEREBROCOSTOMANDIBULAR-LIKE SYNDROME. Identifiers: Orphanet 263508, MedGen C2931011, MONDO:0012637, OMIM 611209.

Allele frequency attached by ClinVar (database versions not stated): 1000 Genomes Project 30x 0.52030; TOPMed 0.52331; 1000 Genomes Project 0.52536; ESP Exome Variant Server 0.53506.
gnomAD v4.1: 852,660 of 1,613,856 alleles (53%); highest among the groups gnomAD compares: East Asian, 62%; 226,363 homozygotes.

Submissions (7):

Labcorp Genetics (formerly Invitae), Labcorp
Classification: Benign for COG1 congenital disorder of glycosylation. Last evaluated: 2026-02-04. Review status: criteria provided, single submitter. Criteria: Invitae Variant Classification Sherloc (09022015). Collection method: clinical testing. Allele origin: germline.

Genome-Nilou Lab
Classification: Benign for COG1 congenital disorder of glycosylation. Last evaluated: 2021-07-22. Review status: criteria provided, single submitter. Criteria: ACMG Guidelines, 2015. Collection method: clinical testing. Allele origin: germline. Affected: no.

GeneDx
Classification: Benign. Last evaluated: 2018-07-31. Review status: criteria provided, single submitter. Criteria: GeneDx Variant Classification Process June 2021. Collection method: clinical testing. Allele origin: germline. Affected: yes.

Illumina Laboratory Services, Illumina
Classification: Benign for COG1 congenital disorder of glycosylation. Last evaluated: 2018-01-13. Review status: criteria provided, single submitter. Criteria: ICSL Variant Classification Criteria 13 December 2019. Collection method: clinical testing. Allele origin: germline.
Comment: This variant was observed in the ICSL laboratory as part of a predisposition screen in an ostensibly healthy population. It had not been previously curated by ICSL or reported in the Human Gene Mutation Database (HGMD: prior to June 1st, 2018), and was therefore a candidate for classification through an automated scoring system. Utilizing variant allele frequency, disease prevalence and penetrance estimates, and inheritance mode, an automated score was calculated to assess if this variant is too frequent to cause the disease. Based on the score and internal cut-off values, a variant classified as benign is not then subjected to further curation. The score for this variant resulted in a classification of benign for this disease.

Mayo Clinic Laboratories, Mayo Clinic
Classification: Benign. Last evaluated: 2017-11-20. Review status: criteria provided, single submitter. Criteria: ACMG Guidelines, 2015. Collection method: clinical testing. Allele origin: germline. Observed: 32 variant alleles.

Eurofins Ntd Llc (ga)
Classification: Benign. Last evaluated: 2014-02-27. Review status: criteria provided, single submitter. Criteria: EGL Classification Definitions 2015. Collection method: clinical testing. Allele origin: germline. Observed: 37 variant alleles, 24 heterozygotes, 13 homozygotes.

Breakthrough Genomics
Classification: Benign. Review status: criteria provided, single submitter. Criteria: ACMG Guidelines, 2015. Collection method: not provided. Allele origin: germline. Inheritance: Autosomal recessive inheritance. Affected: yes.

NM_018714.3(COG1):c.1782G>A (p.Glu594=)

Gene: COG1 (component of oligomeric golgi complex 1; plus strand). Cytogenetic location: 17q25.1.
Variant type: single nucleotide variant.
Coding change: c.1782G>A on transcript NM_018714.3 (MANE Select); coding-DNA position 1782, G replaced by A.
Protein change: p.Glu594=; no amino-acid change (glutamic acid 594 retained).
Molecular consequence: synonymous variant.
Genome position (GRCh38, 1-based): chr17:73,201,609, G>A. VCF-style: chr17-73201609-G-A. GRCh37 (hg19) VCF-style: chr17-71197748-G-A.
Other names: p.Glu594=.
Identifiers: ClinVar variation 95914 (VCV000095914.24), dbSNP rs1037256, ClinGen allele CA149034.